The following is an entry in ClinVar:

NM_015692.5(CPAMD8):c.5194G>T (p.Ala1732Ser)

Gene: CPAMD8 (C3 and PZP like alpha-2-macroglobulin domain containing 8; minus strand). Cytogenetic location: 19p13.11.
Variant type: single nucleotide variant.
Coding change: c.5194G>T on transcript NM_015692.5 (MANE Select); coding-DNA position 5194, G replaced by T.
Protein change: p.Ala1732Ser; replaces alanine 1732 with serine.
Molecular consequence: missense variant.
Genome position (GRCh38, 1-based): chr19:16,896,537, C>A on the plus strand (G>T on the coding strand, the complement: CPAMD8 is on the minus strand). VCF-style: chr19-16896537-C-A. GRCh37 (hg19) VCF-style: chr19-17007348-C-A.
Other names: short protein forms A1732S.
Identifiers: ClinVar variation 5010099 (VCV005010099.1).

ClinVar aggregate classification (germline): Uncertain significance (1 of 4 stars; one submission).

gnomAD v4.1: 2 of 1,491,282 alleles (0.00013%); no homozygotes.

Submission:

GeneDx
Classification: Uncertain significance. Last evaluated: 2026-03-10. Review status: criteria provided, single submitter. Criteria: GeneDx Variant Classification Process June 2021. Collection method: clinical testing. Allele origin: germline.
Comment: Not observed at significant frequency in large population cohorts (gnomAD); In silico analysis does not support a benign or deleterious effect of this variant on protein structure/function; Has not been previously published as pathogenic or benign to our knowledge